The following is an entry in ClinVar:

ClinVar aggregate classification (germline): Uncertain significance. Review status: criteria provided, multiple submitters, no conflicts (2 of 4 stars). 2 submissions from 2 submitters: Uncertain significance (2). Last evaluated 2024-05-11.

Conditions:
DICER1-related tumor predisposition. Also called: DICER1-related pleuropulmonary blastoma cancer predisposition syndrome; DICER1 syndrome. Identifiers: Orphanet 284343, MedGen C3839822, MONDO:0100216.
Hereditary cancer-predisposing syndrome. Also called: Neoplastic Syndromes, Hereditary; Hereditary neoplastic syndrome; Hereditary Cancer Syndrome; Tumor predisposition. Identifiers: Orphanet 140162, MedGen C0027672, MeSH D009386, MONDO:0015356.

Submissions (2):

Labcorp Genetics (formerly Invitae), Labcorp
Classification: Uncertain significance for DICER1-related tumor predisposition. Last evaluated: 2024-05-11. Review status: criteria provided, single submitter. Criteria: Invitae Variant Classification Sherloc (09022015). Collection method: clinical testing. Allele origin: germline.
Comment: This sequence change replaces serine, which is neutral and polar, with phenylalanine, which is neutral and non-polar, at codon 1218 of the DICER1 protein (p.Ser1218Phe). This variant is not present in population databases (gnomAD no frequency). This variant has not been reported in the literature in individuals affected with DICER1-related conditions. ClinVar contains an entry for this variant (Variation ID: 943721). Advanced modeling of protein sequence and biophysical properties (such as structural, functional, and spatial information, amino acid conservation, physicochemical variation, residue mobility, and thermodynamic stability) performed at Invitae indicates that this missense variant is not expected to disrupt DICER1 protein function with a negative predictive value of 80%. In summary, the available evidence is currently insufficient to determine the role of this variant in disease. Therefore, it has been classified as a Variant of Uncertain Significance.

Ambry Genetics
Classification: Uncertain significance for Hereditary cancer-predisposing syndrome. Last evaluated: 2023-04-16. Review status: criteria provided, single submitter. Criteria: Ambry Variant Classification Scheme 2023. Collection method: clinical testing. Allele origin: germline.
Comment: The p.S1218F variant (also known as c.3653C>T), located in coding exon 20 of the DICER1 gene, results from a C to T substitution at nucleotide position 3653. The serine at codon 1218 is replaced by phenylalanine, an amino acid with highly dissimilar properties. This amino acid position is conserved. In addition, this alteration is predicted to be tolerated by in silico analysis. Since supporting evidence is limited at this time, the clinical significance of this alteration remains unclear.

NM_177438.3(DICER1):c.3653C>T (p.Ser1218Phe)

Gene: DICER1 (dicer 1, ribonuclease III; minus strand). Cytogenetic location: 14q32.13.
Variant type: single nucleotide variant.
Coding change: c.3653C>T on transcript NM_177438.3 (MANE Select); coding-DNA position 3653, C replaced by T.
Protein change: p.Ser1218Phe; replaces serine 1218 with phenylalanine.
Molecular consequence: missense variant.
Genome position (GRCh38, 1-based): chr14:95,103,743, G>A on the plus strand (C>T on the coding strand, the complement: DICER1 is on the minus strand). VCF-style: chr14-95103743-G-A. GRCh37 (hg19) VCF-style: chr14-95570080-G-A.
Other names: c.3653C>T, p.Ser1218Phe (NM_001195573.1, NM_001271282.3, NM_001291628.2 and 1 more transcripts); short protein forms S1218F.
Identifiers: ClinVar variation 943721 (VCV000943721.12), dbSNP rs1197755223, ClinGen allele CA390874517.